The following is an entry in ClinVar:

ClinVar aggregate classification (germline): Uncertain significance (1 of 4 stars; one submission).

Conditions:
Developmental and epileptic encephalopathy, 23 (DEE23). Also called: Epileptic encephalopathy, early infantile, 23. Identifiers: Orphanet 411986, MedGen C4014492, MONDO:0014371, OMIM 615859.

Allele frequency attached by ClinVar (database versions not stated): gnomAD 0.00001; TOPMed 0.00002; gnomAD exomes 0.00003; ExAC 0.00006.
gnomAD v4.1: 19 of 1,613,400 alleles (0.0012%); highest among the groups gnomAD compares: Admixed American, 0.017%; no homozygotes.

Submission:

Labcorp Genetics (formerly Invitae), Labcorp
Classification: Uncertain significance for Developmental and epileptic encephalopathy, 23. Last evaluated: 2024-10-24. Review status: criteria provided, single submitter. Criteria: Invitae Variant Classification Sherloc (09022015). Collection method: clinical testing. Allele origin: germline.
Comment: This sequence change replaces asparagine, which is neutral and polar, with serine, which is neutral and polar, at codon 745 of the DOCK7 protein (p.Asn745Ser). This variant is present in population databases (rs749836480, gnomAD 0.009%). This variant has not been reported in the literature in individuals affected with DOCK7-related conditions. ClinVar contains an entry for this variant (Variation ID: 861052). Invitae Evidence Modeling of protein sequence and biophysical properties (such as structural, functional, and spatial information, amino acid conservation, physicochemical variation, residue mobility, and thermodynamic stability) indicates that this missense variant is expected to disrupt DOCK7 protein function with a positive predictive value of 80%. In summary, the available evidence is currently insufficient to determine the role of this variant in disease. Therefore, it has been classified as a Variant of Uncertain Significance.

NM_001367561.1(DOCK7):c.2234A>G (p.Asn745Ser)

Gene: DOCK7 (dedicator of cytokinesis 7; minus strand). Cytogenetic location: 1p31.3.
Variant type: single nucleotide variant.
Coding change: c.2234A>G on transcript NM_001367561.1 (MANE Select); coding-DNA position 2234, A replaced by G.
Protein change: p.Asn745Ser; replaces asparagine 745 with serine.
Molecular consequence: missense variant.
Genome position (GRCh38, 1-based): chr1:62,559,186, T>C on the plus strand (A>G on the coding strand, the complement: DOCK7 is on the minus strand). VCF-style: chr1-62559186-T-C. GRCh37 (hg19) VCF-style: chr1-63024857-T-C.
Other names: c.2234A>G, p.Asn745Ser (NM_001271999.2, NM_001272000.2, NM_001272001.2 and 2 more transcripts); short protein forms N745S.
Identifiers: ClinVar variation 861052 (VCV000861052.10), dbSNP rs749836480, ClinGen allele CA886318.